The following is an entry in ClinVar:

ClinVar aggregate classification (germline): Uncertain significance (1 of 4 stars; one submission).

Submission:

GeneDx
Classification: Uncertain significance. Last evaluated: 2026-09-07. Review status: criteria provided, single submitter. Criteria: GeneDx Variant Classification Process June 2021. Collection method: clinical testing. Allele origin: germline.
Comment: Not observed at significant frequency in large population cohorts (gnomAD); Intronic +5 splice site variant in a gene for which loss of function is a known mechanism of disease, and both splice predictors and evolutionary conservation support a deleterious effect, although in the absence of functional evidence the actual effect of this sequence change is unknown.; Has not been previously published as pathogenic or benign to our knowledge

NM_197968.4(ZMYM2):c.1968+5G>A

Gene: ZMYM2 (zinc finger MYM-type containing 2; plus strand). Cytogenetic location: 13q12.11.
Variant type: single nucleotide variant.
Coding change: c.1968+5G>A on transcript NM_197968.4 (MANE Select); 5 bases into the intron after coding-DNA position 1968, G replaced by A.
Molecular consequence: intron variant.
Genome position (GRCh38, 1-based): chr13:20,031,440, G>A. VCF-style: chr13-20031440-G-A. GRCh37 (hg19) VCF-style: chr13-20605580-G-A.
Other names: c.1707+5G>A (NM_001353163.2); c.1968+5G>A (NM_001353157.2, NM_001353164.2, NM_001353159.2 and 5 more transcripts); c.1773+5G>A (NM_001353161.3).
Identifiers: ClinVar variation 3899757 (VCV003899757.2).
Genomic context (GRCh38, chr13:20,031,440, plus strand): 5'-AATGCAACTACTGCAAAAATTCCTTTTGTTCAAAACCAGAAATCCTGGAATGGGAGGCAA[G>A]TTGTATTTTGTAATGTGTGTTATCTAATGCTAAAAAGAAAGTCTAGTAAAATAAGTGTTG-3'